The following is an entry in ClinVar:

NM_021954.4(GJA3):c.*581A>G

Gene: GJA3 (gap junction protein alpha 3; minus strand). Cytogenetic location: 13q12.11.
Variant type: single nucleotide variant.
Coding change: c.*581A>G on transcript NM_021954.4 (MANE Select); 581 bases downstream of the stop codon, A replaced by G.
Molecular consequence: 3 prime UTR variant.
Genome position (GRCh38, 1-based): chr13:20,141,400, T>C on the plus strand (A>G on the coding strand, the complement: GJA3 is on the minus strand). VCF-style: chr13-20141400-T-C. GRCh37 (hg19) VCF-style: chr13-20715539-T-C.
Identifiers: ClinVar variation 311320 (VCV000311320.5), dbSNP rs61950897, ClinGen allele CA10642957.
Genomic context (GRCh38, chr13:20,141,400, plus strand): 5'-CCACTGAGCCTGCCTCTGGAGGGCAACTGCTCTTTGTCACTTGTCATGAGGCCTGAAGCT[T>C]GATATCCTGGGCTTCACATGCAATTTCGGAAACTCAAATGACACTACATAGACTTGCTGT-3'

ClinVar aggregate classification (germline): Benign (1 of 4 stars; one submission).

Conditions:
Cataract 14 multiple types. Also called: CATARACT 14, ZONULAR PULVERULENT; CATARACT 14, NUCLEAR PULVERULENT; CATARACT 14, NUCLEAR PULVERULENT AND POSTERIOR POLAR; CATARACT 14, NUCLEAR CORALLIFORM; CATARACT 14, EMBRYONAL NUCLEAR; CATARACT 14, COPPOCK-LIKE. Identifiers: Orphanet 91492, MedGen C1866078, MONDO:0011162, OMIM 601885.

Allele frequency attached by ClinVar (database versions not stated): 1000 Genomes Project 0.01238; gnomAD 0.02766 and 0.02646; TOPMed 0.02235; 1000 Genomes Project 30x 0.01218; gnomAD exomes 0.08333.
gnomAD v4.1: 4,138 of 152,702 alleles (2.7%); highest among the groups gnomAD compares: Middle Eastern, 6.5%; 96 homozygotes.

Submission:

Illumina Laboratory Services, Illumina
Classification: Benign for Cataract 14 multiple types. Last evaluated: 2018-01-13. Review status: criteria provided, single submitter. Criteria: ICSL Variant Classification Criteria 13 December 2019. Collection method: clinical testing. Allele origin: germline.
Comment: This variant was observed in the ICSL laboratory as part of a predisposition screen in an ostensibly healthy population. It had not been previously curated by ICSL or reported in the Human Gene Mutation Database (HGMD: prior to June 1st, 2018), and was therefore a candidate for classification through an automated scoring system. Utilizing variant allele frequency, disease prevalence and penetrance estimates, and inheritance mode, an automated score was calculated to assess if this variant is too frequent to cause the disease. Based on the score and internal cut-off values, a variant classified as benign is not then subjected to further curation. The score for this variant resulted in a classification of benign for this disease.